The following is an entry in ClinVar:

ClinVar aggregate classification (germline): Pathogenic (1 of 4 stars; one submission).

Conditions:
Charcot-Marie-Tooth disease type 4A. Also called: Charcot-Marie-Tooth disease, demyelinating, autosomal recessive, type 4a. Identifiers: Orphanet 99948, MedGen C1859198, MONDO:0008961, OMIM 214400.

Submission:

Labcorp Genetics (formerly Invitae), Labcorp
Classification: Pathogenic for Charcot-Marie-Tooth disease type 4A. Last evaluated: 2024-10-03. Review status: criteria provided, single submitter. Criteria: Invitae Variant Classification Sherloc (09022015). Collection method: clinical testing. Allele origin: germline.
Comment: This sequence change creates a premature translational stop signal (p.Val79Tyrfs*9) in the GDAP1 gene. It is expected to result in an absent or disrupted protein product. Loss-of-function variants in GDAP1 are known to be pathogenic (PMID: 11743580). This variant is present in population databases (no rsID available, gnomAD 0.0009%). This variant has not been reported in the literature in individuals affected with GDAP1-related conditions. ClinVar contains an entry for this variant (Variation ID: 1071208). Algorithms developed to predict the effect of sequence changes on RNA splicing suggest that this variant may disrupt the consensus splice site. For these reasons, this variant has been classified as Pathogenic.

Literature cited by the submitters: PubMed 11743580.

NM_018972.4(GDAP1):c.235_239del (p.Val79fs)

Gene: GDAP1 (ganglioside induced differentiation associated protein 1; plus strand). Cytogenetic location: 8q21.11.
Variant type: Deletion.
Coding change: c.235_239del on transcript NM_018972.4 (MANE Select); coding-DNA positions 235 to 239, 5 bases deleted (GTCCT; older notation c.235_239delGTCCT).
Protein change: p.Val79fs; shifts the reading frame from valine 79.
Molecular consequence: frameshift variant. On other transcripts: intron variant (2).
Genome position (GRCh38, 1-based): chr8:74,351,391-74,351,395, GTCCT deleted; deleting any 5 consecutive bases within chr8:74,351,388-74,351,395 gives the same sequence; the c. name uses the placement nearest the transcript's 3' end. VCF-style (leftmost placement, unchanged base first): chr8-74351387-GCCTGT-G. GRCh37 (hg19) VCF-style: chr8-75263622-GCCTGT-G.
Other names: c.31_35del, p.Val11fs (NM_001040875.4); c.235_239del, p.Val79fs (NM_001362930.2, NM_001362931.2); c.-18+70_-18+74del (NM_001362929.2); c.-18+813_-18+817del (NM_001362932.2); short protein forms V11fs, V79fs.
Identifiers: ClinVar variation 1071208 (VCV001071208.7), dbSNP rs1243845978, ClinGen allele CA582881542.
Genomic context (GRCh38, chr8:74,351,387, plus strand): 5'-TCTGCCCTTGAGTGAGCACAATGAGCCTTGGTTTATGCGTTTGAACTCAACTGGAGAAGT[GCCTGT>G]CCTTATCCACGGGGAAAACATAATTTGTGAGGCCACTCAGATCATTGATTATCTTGAACA-3'